The following is an entry in ClinVar:

ClinVar aggregate classification (germline): Uncertain significance (1 of 4 stars; one submission).

Submission:

GeneDx
Classification: Uncertain significance. Last evaluated: 2025-04-17. Review status: criteria provided, single submitter. Criteria: GeneDx Variant Classification Process June 2021. Collection method: clinical testing. Allele origin: germline. Affected: yes.
Comment: Not observed at significant frequency in large population cohorts (gnomAD); In silico analysis supports that this missense variant has a deleterious effect on protein structure/function; In silico analysis suggests this variant may impact gene splicing. In the absence of RNA/functional studies, the actual effect of this sequence change is unknown.; Has not been previously published as pathogenic or benign to our knowledge

NM_032217.5(ANKRD17):c.4285G>A (p.Glu1429Lys)

Gene: ANKRD17 (ankyrin repeat domain 17; minus strand). Cytogenetic location: 4q13.3.
Variant type: single nucleotide variant.
Coding change: c.4285G>A on transcript NM_032217.5 (MANE Select); coding-DNA position 4285, G replaced by A.
Protein change: p.Glu1429Lys; replaces glutamic acid 1429 with lysine.
Molecular consequence: missense variant.
Genome position (GRCh38, 1-based): chr4:73,113,908, C>T on the plus strand (G>A on the coding strand, the complement: ANKRD17 is on the minus strand). VCF-style: chr4-73113908-C-T. GRCh37 (hg19) VCF-style: chr4-73979625-C-T.
Other names: c.3946G>A, p.Glu1316Lys (NM_001286771.3); c.4282G>A, p.Glu1428Lys (NM_015574.2); c.3532G>A, p.Glu1178Lys (NM_198889.3); short protein forms E1178K, E1316K, E1428K, E1429K.
Identifiers: ClinVar variation 4282160 (VCV004282160.1).